The following is an entry in ClinVar:

ClinVar aggregate classification (germline): Uncertain significance (1 of 4 stars; one submission).

Conditions:
Charcot-Marie-Tooth disease type 2E (CMT2E). Also called: CHARCOT-MARIE-TOOTH DISEASE, AXONAL, TYPE 2E; CHARCOT-MARIE-TOOTH NEUROPATHY, TYPE 2E. Identifiers: Orphanet 99939, MedGen C1843225, MONDO:0011894, OMIM 607684.

Submission:

Labcorp Genetics (formerly Invitae), Labcorp
Classification: Uncertain significance for Charcot-Marie-Tooth disease type 2E. Last evaluated: 2022-06-13. Review status: criteria provided, single submitter. Criteria: Invitae Variant Classification Sherloc (09022015). Collection method: clinical testing. Allele origin: germline.
Comment: This sequence change replaces alanine, which is neutral and non-polar, with threonine, which is neutral and polar, at codon 257 of the NEFL protein (p.Ala257Thr). This variant is not present in population databases (gnomAD no frequency). This variant has not been reported in the literature in individuals affected with NEFL-related conditions. ClinVar contains an entry for this variant (Variation ID: 1006239). Experimental studies and prediction algorithms are not available or were not evaluated, and the functional significance of this variant is currently unknown. In summary, the available evidence is currently insufficient to determine the role of this variant in disease. Therefore, it has been classified as a Variant of Uncertain Significance.

NM_006158.5(NEFL):c.769G>A (p.Ala257Thr)

Gene: NEFL (neurofilament light chain; minus strand). Cytogenetic location: 8p21.2.
Variant type: single nucleotide variant.
Coding change: c.769G>A on transcript NM_006158.5 (MANE Select); coding-DNA position 769, G replaced by A.
Protein change: p.Ala257Thr; replaces alanine 257 with threonine.
Molecular consequence: missense variant.
Genome position (GRCh38, 1-based): chr8:24,955,747, C>T on the plus strand (G>A on the coding strand, the complement: NEFL is on the minus strand). VCF-style: chr8-24955747-C-T. GRCh37 (hg19) VCF-style: chr8-24813261-C-T.
Other names: short protein forms A257T.
Identifiers: ClinVar variation 1006239 (VCV001006239.5), dbSNP rs1803039812, ClinGen allele CA370621674.
Genomic context (GRCh38, chr8:24,955,747, plus strand): 5'-CAGCGTTCTGCATGTTCTTGGCGGCCAGCTTCTCGTACTGCGCGCGGATGTCCTTGAGCG[C>T]GGCGGAAAGGTCGGGCTTGGTCACGTCCATCTCCACGGAGATCTGCGCGTACTGGATCTG-3'
Protein context (NP_006149.2, residues 247-267): MDVTKPDLSA[Ala257Thr]LKDIRAQYEK